The following is an entry in ClinVar:

ClinVar aggregate classification (germline): Likely benign (1 of 4 stars; one submission).

Conditions:
Hereditary retinoblastoma. Identifiers: Orphanet 357027, MedGen C0751483, MONDO:0018160.

Submission:

Ramesar Group, Division of Human Genetics, Institute of Infectious Diseases and Molecular Medicine, UCT/MRC Genomic and Precision Medicine Research Unit, University of Cape Town
Classification: Likely benign for Hereditary retinoblastoma. Last evaluated: 2025-09-17. Review status: criteria provided, single submitter. Criteria: ACMG Guidelines, 2015. Collection method: research. Allele origin: germline. Affected: no.
Comment: BP5 - Variant found in a patient with a different retinal disease; RB1 is not associated with the phenotype BP7 - A non-coding variant with no predicted effect on splicing (SpliceAI scores are negligible)

NM_000321.3(RB1):c.137+106_137+107insA

Gene: RB1 (RB transcriptional corepressor 1; plus strand). Cytogenetic location: 13q14.2.
Variant type: Insertion.
Coding change: c.137+106_137+107insA on transcript NM_000321.3 (MANE Select); bases 106 to 107 of the intron after coding-DNA position 137, A inserted.
Molecular consequence: intron variant.
Genome position: GRCh38 VCF-style: chr13-48304155-G-GA. GRCh37 (hg19) VCF-style: chr13-48878291-G-GA.
Other names: c.137+106_137+107insA (NM_001407165.1, NM_001407166.1, NM_001407167.1).
Identifiers: ClinVar variation 4759390 (VCV004759390.1).